The following is an entry in ClinVar:

ClinVar aggregate classification (germline): Uncertain significance (1 of 4 stars; one submission).

Conditions:
Giant axonal neuropathy 1 (GAN1). Also called: GIANT AXONAL NEUROPATHY 1, AUTOSOMAL RECESSIVE; GAN-Related Neurodegeneration. Identifiers: Orphanet 643, MedGen C1850386, MONDO:0009749, OMIM 256850.

Allele frequency attached by ClinVar (database versions not stated): gnomAD 0.00001; gnomAD exomes 0.00001; ExAC 0.00002.
gnomAD v4.1: 12 of 1,614,118 alleles (0.00074%); highest among the groups gnomAD compares: South Asian, 0.0033%; no homozygotes.

Submission:

Labcorp Genetics (formerly Invitae), Labcorp
Classification: Uncertain significance for Giant axonal neuropathy 1. Last evaluated: 2024-12-09. Review status: criteria provided, single submitter. Criteria: Invitae Variant Classification Sherloc (09022015). Collection method: clinical testing. Allele origin: germline.
Comment: This sequence change replaces arginine, which is basic and polar, with histidine, which is basic and polar, at codon 591 of the GAN protein (p.Arg591His). This variant is present in population databases (rs777556243, gnomAD 0.002%). This variant has not been reported in the literature in individuals affected with GAN-related conditions. ClinVar contains an entry for this variant (Variation ID: 644307). An algorithm developed to predict the effect of missense changes on protein structure and function (PolyPhen-2) suggests that this variant is likely to be disruptive. In summary, the available evidence is currently insufficient to determine the role of this variant in disease. Therefore, it has been classified as a Variant of Uncertain Significance.

NM_022041.4(GAN):c.1772G>A (p.Arg591His)

Gene: GAN (gigaxonin; plus strand). Cytogenetic location: 16q23.2.
Variant type: single nucleotide variant.
Coding change: c.1772G>A on transcript NM_022041.4 (MANE Select); coding-DNA position 1772, G replaced by A.
Protein change: p.Arg591His; replaces arginine 591 with histidine.
Molecular consequence: missense variant.
Genome position (GRCh38, 1-based): chr16:81,377,574, G>A. VCF-style: chr16-81377574-G-A. GRCh37 (hg19) VCF-style: chr16-81411179-G-A.
Other names: c.1133G>A, p.Arg378His (NM_001377486.1); short protein forms R591H, R378H.
Identifiers: ClinVar variation 644307 (VCV000644307.7), dbSNP rs777556243, ClinGen allele CA8191883.